The following is an entry in ClinVar:

ClinVar aggregate classification (germline): Conflicting classifications of pathogenicity. Review status: criteria provided, conflicting classifications (1 of 4 stars). 12 submissions from 12 submitters: Uncertain significance (1); Benign (4); Likely benign (3). 4 of the submissions do not count toward it. Last evaluated 2026-01-15.

Conditions:
Hypertrophic cardiomyopathy 14. Identifiers: MedGen C2750467, MONDO:0013197, OMIM 613251.
Cardiovascular phenotype. Identifiers: MedGen CN230736.
Cardiomyopathy (CMYO). Also called: Cardiomyopathies. Identifiers: Orphanet 167848, MedGen C0878544, MONDO:0004994, HP:0001638. Inheritance: Various modes of inheritance.
MYH6-related disorder. Also called: MYH6-related condition; MYH6-Related Disorders.

Allele frequency attached by ClinVar (database versions not stated): 1000 Genomes Project 0.00379; gnomAD exomes 0.00020 and 0.00067; ExAC 0.00079; gnomAD 0.00262 and 0.00284; TOPMed 0.00293; 1000 Genomes Project 30x 0.00344; ESP Exome Variant Server 0.00361.
gnomAD v4.1: 700 of 1,614,194 alleles (0.043%); highest among the groups gnomAD compares: African/African-American, 0.84%; 2 homozygotes.

Submissions (12):

Labcorp Genetics (formerly Invitae), Labcorp
Classification: Benign for Hypertrophic cardiomyopathy 14. Last evaluated: 2026-01-15. Review status: criteria provided, single submitter. Criteria: Invitae Variant Classification Sherloc (09022015). Collection method: clinical testing. Allele origin: germline.

Blueprint Genetics
Classification: Likely benign. Last evaluated: 2024-05-15. Review status: criteria provided, single submitter. Criteria: ACMG Guidelines, 2015. Collection method: clinical testing. Allele origin: germline.

ARUP Laboratories, Molecular Genetics and Genomics, ARUP Laboratories
Classification: Likely benign. Last evaluated: 2023-08-16. Review status: criteria provided, single submitter. Criteria: ARUP Molecular Germline Variant Investigation Process 2024. Collection method: clinical testing. Allele origin: germline.

Women's Health and Genetics/Laboratory Corporation of America, LabCorp
Classification: Benign. Last evaluated: 2020-08-24. Review status: criteria provided, single submitter. Criteria: LabCorp Variant Classification Summary - May 2015. Collection method: clinical testing. Allele origin: germline.
Comment: Variant summary: MYH6 c.2071G>A (p.Val691Ile) results in a conservative amino acid change located in the Myosin head, motor domain (IPR001609) of the encoded protein sequence. Three of five in-silico tools predict a benign effect of the variant on protein function. The variant allele was found at a frequency of 0.00092 in 282834 control chromosomes, predominantly at a frequency of 0.0096 within the African or African-American subpopulation in the gnomAD database. The observed variant frequency within African or African-American control individuals in the gnomAD database is approximately 384 fold of the estimated maximal expected allele frequency for a pathogenic variant in MYH6 causing Cardiomyopathy phenotype (2.5e-05), strongly suggesting that the variant is a benign polymorphism found primarily in populations of African or African-American origin. To our knowledge, no experimental evidence demonstrating its impact on protein function has been reported. One co-occurrence with another pathogenic variant has been internally reported (TTR c.424G>A, p.V142I), providing supporting evidence for a benign role. Five ClinVar submitters (evaluation after 2014) cite the variant as uncertain significance (1x), likely benign (1x) and benign (3x). Based on the evidence outlined above, the variant was classified as benign.

Ambry Genetics
Classification: Benign for Cardiovascular phenotype. Last evaluated: 2018-06-11. Review status: criteria provided, single submitter. Criteria: Ambry Variant Classification Scheme 2023. Collection method: clinical testing. Allele origin: germline.

GeneDx
Classification: Benign. Last evaluated: 2017-01-06. Review status: criteria provided, single submitter. Criteria: GeneDx Variant Classification (06012015). Collection method: clinical testing. Allele origin: germline. Affected: yes.
Comment: This variant is considered likely benign or benign based on one or more of the following criteria: it is a conservative change, it occurs at a poorly conserved position in the protein, it is predicted to be benign by multiple in silico algorithms, and/or has population frequency not consistent with disease.

CHEO Genetics Diagnostic Laboratory, Children's Hospital of Eastern Ontario
Classification: Uncertain significance for Cardiomyopathy. Last evaluated: 2016-04-06. Review status: criteria provided, single submitter. Criteria: ACMG Guidelines, 2015. Collection method: clinical testing. Allele origin: germline. Study: Canadian Open Genetics Repository.

Laboratory for Molecular Medicine, Mass General Brigham Personalized Medicine
Classification: Likely benign. Last evaluated: 2015-03-23. Review status: criteria provided, single submitter. Criteria: LMM Criteria. Collection method: clinical testing. Allele origin: germline. Observed: 2 variant alleles.
Comment: p.Val691Ile in exon 18 of MYH6: This variant is not expected to have clinical si gnificance because it has been identified in 0.9% (92/10402) of African chromoso mes by the Exome Aggregation Consortium (ExAC; d bSNP rs148915045).

PreventionGenetics, part of Exact Sciences
Classification: Benign for MYH6-related condition. Last evaluated: 2019-05-03. Review status: no assertion criteria provided. Collection method: clinical testing. Allele origin: germline. Not counted in ClinVar's aggregate classification.
Comment: This variant is classified as benign based on ACMG/AMP sequence variant interpretation guidelines (Richards et al. 2015 PMID: 25741868, with internal and published modifications).

Clinical Genetics DNA and cytogenetics Diagnostics Lab, Erasmus MC, Erasmus Medical Center
Classification: Benign. Review status: no assertion criteria provided. Collection method: clinical testing. Allele origin: germline. Affected: yes. Study: VKGL Data-share Consensus. Not counted in ClinVar's aggregate classification.

Clinical Genetics, Academic Medical Center
Classification: Benign. Review status: no assertion criteria provided. Collection method: clinical testing. Allele origin: germline. Affected: yes. Study: VKGL Data-share Consensus. Not counted in ClinVar's aggregate classification.

Genome Diagnostics Laboratory, University Medical Center Utrecht
Classification: Likely benign. Review status: no assertion criteria provided. Collection method: clinical testing. Allele origin: germline. Affected: yes. Study: VKGL Data-share Consensus. Not counted in ClinVar's aggregate classification.

NM_002471.4(MYH6):c.2071G>A (p.Val691Ile)

Gene: MYH6 (myosin heavy chain 6; minus strand). Cytogenetic location: 14q11.2.
Variant type: single nucleotide variant.
Coding change: c.2071G>A on transcript NM_002471.4 (MANE Select); coding-DNA position 2071, G replaced by A.
Protein change: p.Val691Ile; replaces valine 691 with isoleucine.
Molecular consequence: missense variant.
Genome position (GRCh38, 1-based): chr14:23,397,060, C>T on the plus strand (G>A on the coding strand, the complement: MYH6 is on the minus strand). VCF-style: chr14-23397060-C-T. GRCh37 (hg19) VCF-style: chr14-23866269-C-T.
Other names: short protein forms V691I.
Identifiers: ClinVar variation 164242 (VCV000164242.27), dbSNP rs148915045, ClinGen allele CA176958.